The following is an entry in ClinVar:

ClinVar aggregate classification (germline): Uncertain significance (1 of 4 stars; one submission).

Conditions:
Cardiomyopathy (CMYO). Also called: Cardiomyopathies. Identifiers: Orphanet 167848, MedGen C0878544, MONDO:0004994, HP:0001638. Inheritance: Various modes of inheritance.

Allele frequency attached by ClinVar (database versions not stated): gnomAD exomes below 0.00001; ExAC 0.00002.
gnomAD v4.1: 2 of 1,605,786 alleles (0.00012%); highest among the groups gnomAD compares: South Asian, 0.0022%; no homozygotes.

Submission:

Color Diagnostics, LLC DBA Color Health
Classification: Uncertain significance for Cardiomyopathy. Last evaluated: 2023-01-23. Review status: criteria provided, single submitter. Criteria: ACMG Guidelines, 2015. Collection method: clinical testing. Allele origin: germline.
Comment: This missense variant replaces serine with phenylalanine at codon 41 of the DSC2 protein. Computational prediction suggests that this variant may not impact protein structure and function (internally defined REVEL score threshold <= 0.5, PMID: 27666373). To our knowledge, functional studies have not been reported for this variant. This variant has not been reported in individuals affected with DSC2-related disorders in the literature. This variant has been identified in 2/251328 chromosomes in the general population by the Genome Aggregation Database (gnomAD). The available evidence is insufficient to determine the role of this variant in disease conclusively. Therefore, this variant is classified as a Variant of Uncertain Significance.

NM_024422.6(DSC2):c.122C>T (p.Ser41Phe)

Gene: DSC2 (desmocollin 2; minus strand). Cytogenetic location: 18q12.1.
Variant type: single nucleotide variant.
Coding change: c.122C>T on transcript NM_024422.6 (MANE Select); coding-DNA position 122, C replaced by T.
Protein change: p.Ser41Phe; replaces serine 41 with phenylalanine.
Molecular consequence: missense variant. On other transcripts: 5 prime UTR variant (2).
Genome position (GRCh38, 1-based): chr18:31,093,591, G>A on the plus strand (C>T on the coding strand, the complement: DSC2 is on the minus strand). VCF-style: chr18-31093591-G-A. GRCh37 (hg19) VCF-style: chr18-28673554-G-A.
Other names: c.-308C>T (NM_001406506.1, NM_001406507.1); c.122C>T, p.Ser41Phe (NM_004949.5); short protein forms S41F.
Identifiers: ClinVar variation 2775196 (VCV002775196.2), dbSNP rs772104020, ClinGen allele CA030336.